The following is an entry in ClinVar:

NM_001277115.2(DNAH11):c.8132_8135del (p.Arg2711fs)

Gene: DNAH11 (dynein axonemal heavy chain 11; plus strand). Cytogenetic location: 7p15.3.
Variant type: Microsatellite.
Coding change: c.8132_8135del on transcript NM_001277115.2 (MANE Select); coding-DNA positions 8132 to 8135, 4 bases deleted (GAGA; older notation c.8132_8135delGAGA).
Protein change: p.Arg2711fs; shifts the reading frame from arginine 2711.
Molecular consequence: frameshift variant.
Genome position (GRCh38, 1-based): chr7:21,742,144-21,742,147, GAGA deleted; deleting any 4 consecutive bases within chr7:21,742,142-21,742,147 gives the same sequence; the c. name uses the placement nearest the transcript's 3' end. VCF-style (leftmost placement, unchanged base first): chr7-21742141-TGAGA-T. GRCh37 (hg19) VCF-style: chr7-21781759-TGAGA-T.
Other names: short protein forms R2711fs.
Identifiers: ClinVar variation 576254 (VCV000576254.8), dbSNP rs1562521048, ClinGen allele CA891842987.

ClinVar aggregate classification (germline): Pathogenic/Likely pathogenic. Review status: criteria provided, multiple submitters, no conflicts (2 of 4 stars). 2 submissions from 2 submitters: Pathogenic (1); Likely pathogenic (1). Last evaluated 2022-09-02.

Conditions:
DNAH11-related disorders.
Primary ciliary dyskinesia. Also called: Ciliary dyskinesia. Identifiers: Orphanet 244, MedGen C0008780, MONDO:0016575, HP:0012265.

Submissions (2):

Blueprint Genetics
Classification: Likely pathogenic for DNAH11-related disorders. Last evaluated: 2022-09-02. Review status: criteria provided, single submitter. Criteria: ACMG Guidelines, 2015. Collection method: clinical testing. Allele origin: germline. Affected: yes. Observed: 2 variant alleles.

Labcorp Genetics (formerly Invitae), Labcorp
Classification: Pathogenic for Primary ciliary dyskinesia. Last evaluated: 2022-01-28. Review status: criteria provided, single submitter. Criteria: Invitae Variant Classification Sherloc (09022015). Collection method: clinical testing. Allele origin: germline.
Comment: This sequence change creates a premature translational stop signal (p.Arg2711Ilefs*17) in the DNAH11 gene. It is expected to result in an absent or disrupted protein product. Loss-of-function variants in DNAH11 are known to be pathogenic (PMID: 18022865, 20513915, 22184204). This variant is not present in population databases (gnomAD no frequency). This variant has not been reported in the literature in individuals affected with DNAH11-related conditions. ClinVar contains an entry for this variant (Variation ID: 576254). For these reasons, this variant has been classified as Pathogenic.

Literature cited by the submitters: PubMed 18022865 (cited by Labcorp Genetics (formerly Invitae), Labcorp); PubMed 20513915 (cited by Labcorp Genetics (formerly Invitae), Labcorp); PubMed 22184204 (cited by Labcorp Genetics (formerly Invitae), Labcorp).